The following is an entry in ClinVar:

ClinVar aggregate classification (germline): Pathogenic/Likely pathogenic. Review status: criteria provided, multiple submitters, no conflicts (2 of 4 stars). 3 submissions from 3 submitters: Pathogenic (2); Likely pathogenic (1). Last evaluated 2026-08-06.

Conditions:
Developmental and epileptic encephalopathy, 12 (DEE12). Identifiers: MedGen C3150988, MONDO:0013389, OMIM 613722.
Microcephaly, seizures, and developmental delay. Identifiers: Orphanet 1934, MedGen C3150667, MONDO:0013254, OMIM 613402.

Allele frequency attached by ClinVar (database versions not stated): TOPMed below 0.00001.
gnomAD v4.1: 4 of 1,613,634 alleles (0.00025%); highest among the groups gnomAD compares: Non-Finnish European, 0.00025%; no homozygotes.

Submissions (3):

OLLIN Analises Genomicas, OLLIN
Classification: Pathogenic for Microcephaly, seizures, and developmental delay. Last evaluated: 2026-08-06. Review status: criteria provided, single submitter. Criteria: ACMG Guidelines 2015 PMID 25741868. Collection method: clinical testing. Allele origin: germline. Inheritance: Autosomal recessive inheritance.
Comment: This variant, located at the canonical splicing site (splice donor), has been reported in ClinVar (accession VCV002714248.4) and in gnomAD with an allele frequency of 0.00025%. However, to our knowledge, it has not been reported in the scientific literature. This variant is predicted to disrupt a canonical splice site, potentially leading to exon skipping, mRNA degradation via nonsense-mediated decay (NMD), or production of a truncated protein. Another pathogenic variant has been reported to result in the same amino acid substitution. According to the currently available evidence, this variant has been classified as pathogenic (PVS1, PS1_P, PM2_P).

Dasa
Classification: Pathogenic. Last evaluated: 2024-07-11. Review status: criteria provided, single submitter. Criteria: DASA Assertion Criteria. Collection method: clinical testing. Allele origin: germline.
Comment: NM_007254.4(PNKP):c.1126+1G>C affects a canonical splice site and is predicted to disrupt normal RNA splicing, leading to loss of normal protein function. Loss-of-function is an established mechanism of disease for this gene. Multiple computational predictions support a deleterious effect on the gene or gene product. The variant is present at low frequency in population datasets. Based on the available data, this variant is classified as pathogenic.

Labcorp Genetics (formerly Invitae), Labcorp
Classification: Likely pathogenic for Developmental and epileptic encephalopathy, 12. Last evaluated: 2023-06-14. Review status: criteria provided, single submitter. Criteria: Invitae Variant Classification Sherloc (09022015). Collection method: clinical testing. Allele origin: germline.
Comment: Algorithms developed to predict the effect of sequence changes on RNA splicing suggest that this variant may disrupt the consensus splice site. In summary, the currently available evidence indicates that the variant is pathogenic, but additional data are needed to prove that conclusively. Therefore, this variant has been classified as Likely Pathogenic. This variant has not been reported in the literature in individuals affected with PNKP-related conditions. This variant is present in population databases (no rsID available, gnomAD 0.0009%). This sequence change affects a donor splice site in intron 12 of the PNKP gene. It is expected to disrupt RNA splicing. Variants that disrupt the donor or acceptor splice site typically lead to a loss of protein function (PMID: 16199547), and loss-of-function variants in PNKP are known to be pathogenic (PMID: 20118933, 25728773).

Literature cited by the submitters: PubMed 16199547 (cited by Labcorp Genetics (formerly Invitae), Labcorp); PubMed 20118933 (cited by Labcorp Genetics (formerly Invitae), Labcorp); PubMed 25728773 (cited by Labcorp Genetics (formerly Invitae), Labcorp).

NM_007254.4(PNKP):c.1126+1G>C

Gene: PNKP (polynucleotide kinase 3'-phosphatase; minus strand). Cytogenetic location: 19q13.33.
Variant type: single nucleotide variant.
Coding change: c.1126+1G>C on transcript NM_007254.4 (MANE Select); the canonical splice donor site of the intron after coding-DNA position 1126, G replaced by C.
Molecular consequence: splice donor variant.
Genome position (GRCh38, 1-based): chr19:49,862,184, C>G on the plus strand (G>C on the coding strand, the complement: PNKP is on the minus strand). VCF-style: chr19-49862184-C-G. GRCh37 (hg19) VCF-style: chr19-50365441-C-G.
Identifiers: ClinVar variation 2714248 (VCV002714248.5), dbSNP rs1415935726, ClinGen allele CA406879389.
Genomic context (GRCh38, chr19:49,862,184, plus strand): 5'-CGGTGGGTGGCCTAGGACCCAGGCGGGGCTCAGGGCACGCGCACAGGAACAGGACACTTA[C>G]CCCCAGGGAATCCCACTGCGACAACCACCTCCGGGCTGGCGCTCAGGAGGGCCCTGGACT-3'